The following is an entry in ClinVar:

NM_032383.5(HPS3):c.2398_2399del (p.Phe800fs)

Genes: CP (ceruloplasmin; minus strand), HPS3 (HPS3 biogenesis of lysosomal organelles complex 2 subunit 1; plus strand). Cytogenetic location: 3q24.
Variant type: Deletion.
Coding change: c.2398_2399del on transcript NM_032383.5 (MANE Select); coding-DNA positions 2398 to 2399, 2 bases deleted (TT; older notation c.2398_2399delTT).
Protein change: p.Phe800fs; shifts the reading frame from phenylalanine 800.
Molecular consequence: frameshift variant. On other transcripts: non-coding transcript variant (1).
Genome position (GRCh38, 1-based): chr3:149,162,795-149,162,796, TT deleted; deleting any 2 consecutive bases within chr3:149,162,792-149,162,796 gives the same sequence; the c. name uses the placement nearest the transcript's 3' end. VCF-style (leftmost placement, unchanged base first): chr3-149162791-CTT-C. GRCh37 (hg19) VCF-style: chr3-148880578-CTT-C.
Other names: c.2398_2399del (NM_032383.4); c.1903_1904del, p.Phe635fs (NM_001308258.2); short protein forms F635fs, F800fs.
Identifiers: ClinVar variation 4081445 (VCV004081445.3).

ClinVar aggregate classification (germline): Pathogenic/Likely pathogenic. Review status: criteria provided, multiple submitters, no conflicts (2 of 4 stars). 3 submissions from 3 submitters: Pathogenic (1); Likely pathogenic (2). Last evaluated 2025-10-22.

Conditions:
Hermansky-Pudlak syndrome 3 (HPS3). Identifiers: Orphanet 231512, Orphanet 79430, MedGen C3888001, MONDO:0013555, OMIM 614072.
Hermansky-Pudlak syndrome (HPS). Also called: ALBINISM WITH HEMORRHAGIC DIATHESIS AND PIGMENTED RETICULOENDOTHELIAL CELLS. Identifiers: Orphanet 79430, MedGen C0079504, MONDO:0019312.

Submissions (3):

Natera, Inc.
Classification: Likely pathogenic for Hermansky-Pudlak syndrome. Last evaluated: 2025-10-22. Review status: criteria provided, single submitter. Criteria: Natera Variant Classification Schema (03/2026). Collection method: clinical testing. Allele origin: germline.
Comment: The c.2398_2399del variant in HPS3 is a frameshift variant predicted to shift the reading frame beginning at codon 800 and leads to a stop codon 12 codons downstream. This variant is expected to result in nonsense mediated decay, truncation, or a dysfunctional protein product. This variant is rare in the general population with a frequency below the threshold expected for the associated phenotype(s). Given the available evidence, this variant is classified as Likely Pathogenic.

Labcorp Genetics (formerly Invitae), Labcorp
Classification: Pathogenic. Last evaluated: 2025-02-10. Review status: criteria provided, single submitter. Criteria: Invitae Variant Classification Sherloc (09022015). Collection method: clinical testing. Allele origin: germline.
Comment: This sequence change creates a premature translational stop signal (p.Phe800Glnfs*12) in the HPS3 gene. It is expected to result in an absent or disrupted protein product. Loss-of-function variants in HPS3 are known to be pathogenic (PMID: 11590544). This variant is present in population databases (no rsID available, gnomAD 0.0009%). This variant has not been reported in the literature in individuals affected with HPS3-related conditions. For these reasons, this variant has been classified as Pathogenic.

Revvity Omics, Revvity
Classification: Likely pathogenic for Hermansky-Pudlak syndrome 3. Last evaluated: 2024-08-21. Review status: criteria provided, single submitter. Criteria: ACMG Guidelines, 2015. Collection method: clinical testing. Allele origin: germline.

Literature cited by the submitters: PubMed 11590544 (cited by Labcorp Genetics (formerly Invitae), Labcorp).